The following is an entry in ClinVar:

ClinVar aggregate classification (germline): Benign. Review status: criteria provided, multiple submitters, no conflicts (2 of 4 stars). 3 submissions from 3 submitters: Benign (2). 1 of the submissions does not count toward it. Last evaluated 2026-01-27.

Conditions:
GOT2-related disorder. Also called: GOT2-related condition.

Allele frequency attached by ClinVar (database versions not stated): gnomAD exomes 0.00141 and 0.00401; TOPMed 0.01675; 1000 Genomes Project 0.01697; 1000 Genomes Project 30x 0.01749; ExAC 0.00478; gnomAD 0.01499 and 0.01595; ESP Exome Variant Server 0.01577.
gnomAD v4.1: 4,390 of 1,571,186 alleles (0.28%); highest among the groups gnomAD compares: African/African-American, 5.1%; 96 homozygotes.

Submissions (3):

Labcorp Genetics (formerly Invitae), Labcorp
Classification: Benign. Last evaluated: 2026-01-27. Review status: criteria provided, single submitter. Criteria: Invitae Variant Classification Sherloc (09022015). Collection method: clinical testing. Allele origin: germline.

Breakthrough Genomics
Classification: Benign. Review status: criteria provided, single submitter. Criteria: ACMG Guidelines, 2015. Collection method: not provided. Allele origin: germline. Inheritance: Autosomal recessive inheritance. Affected: yes.

PreventionGenetics, part of Exact Sciences
Classification: Benign for GOT2-related condition. Last evaluated: 2024-03-12. Review status: no assertion criteria provided. Collection method: clinical testing. Allele origin: germline. Not counted in ClinVar's aggregate classification.
Comment: This variant is classified as benign based on ACMG/AMP sequence variant interpretation guidelines (Richards et al. 2015 PMID: 25741868, with internal and published modifications).

NM_002080.4(GOT2):c.460G>A (p.Asp154Asn)

Genes: GOT2 (glutamic-oxaloacetic transaminase 2; minus strand), LOC126862363 (BRD4-independent group 4 enhancer GRCh37_chr16:58751959-58753158; plus strand). Cytogenetic location: 16q21.
Variant type: single nucleotide variant.
Coding change: c.460G>A on transcript NM_002080.4 (MANE Select); coding-DNA position 460, G replaced by A.
Protein change: p.Asp154Asn; replaces aspartic acid 154 with asparagine.
Molecular consequence: missense variant.
Genome position (GRCh38, 1-based): chr16:58,718,664, C>T on the plus strand (G>A on the coding strand, the complement: GOT2 is on the minus strand). VCF-style: chr16-58718664-C-T. GRCh37 (hg19) VCF-style: chr16-58752568-C-T.
Other names: c.331G>A, p.Asp111Asn (NM_001286220.2); short protein forms D154N, D111N.
Identifiers: ClinVar variation 781207 (VCV000781207.12), dbSNP rs78784246, ClinGen allele CA8091036.